The following is an entry in ClinVar:

NM_033109.5(PNPT1):c.2207T>G (p.Phe736Cys)

Gene: PNPT1 (polyribonucleotide nucleotidyltransferase 1; minus strand). Cytogenetic location: 2p16.1.
Variant type: single nucleotide variant.
Coding change: c.2207T>G on transcript NM_033109.5 (MANE Select); coding-DNA position 2207, T replaced by G.
Protein change: p.Phe736Cys; replaces phenylalanine 736 with cysteine.
Molecular consequence: missense variant.
Genome position (GRCh38, 1-based): chr2:55,636,382, A>C on the plus strand (T>G on the coding strand, the complement: PNPT1 is on the minus strand). VCF-style: chr2-55636382-A-C. GRCh37 (hg19) VCF-style: chr2-55863517-A-C.
Other names: short protein forms F736C.
Identifiers: ClinVar variation 1447058 (VCV001447058.6), dbSNP rs374166754, ClinGen allele CA346923382.

ClinVar aggregate classification (germline): Uncertain significance (1 of 4 stars; one submission).

Allele frequency attached by ClinVar (database versions not stated): gnomAD exomes below 0.00001.
gnomAD v4.1: 1 of 1,614,016 alleles (0.000062%); highest among the groups gnomAD compares: Non-Finnish European, 0.000085%; no homozygotes.

Submission:

Labcorp Genetics (formerly Invitae), Labcorp
Classification: Uncertain significance. Last evaluated: 2021-12-02. Review status: criteria provided, single submitter. Criteria: Invitae Variant Classification Sherloc (09022015). Collection method: clinical testing. Allele origin: germline.
Comment: In summary, the available evidence is currently insufficient to determine the role of this variant in disease. Therefore, it has been classified as a Variant of Uncertain Significance. Advanced modeling of protein sequence and biophysical properties (such as structural, functional, and spatial information, amino acid conservation, physicochemical variation, residue mobility, and thermodynamic stability) performed at Invitae indicates that this missense variant is expected to disrupt PNPT1 protein function. This variant has not been reported in the literature in individuals affected with PNPT1-related conditions. This variant is not present in population databases (gnomAD no frequency). This sequence change replaces phenylalanine, which is neutral and non-polar, with cysteine, which is neutral and slightly polar, at codon 736 of the PNPT1 protein (p.Phe736Cys).